The following is an entry in ClinVar:

NM_001385012.1(NBEA):c.5066C>A (p.Ala1689Glu)

Gene: NBEA (neurobeachin; plus strand). Cytogenetic location: 13q13.3.
Variant type: single nucleotide variant.
Coding change: c.5066C>A on transcript NM_001385012.1 (MANE Select); coding-DNA position 5066, C replaced by A.
Protein change: p.Ala1689Glu; replaces alanine 1689 with glutamic acid.
Molecular consequence: missense variant.
Genome position (GRCh38, 1-based): chr13:35,196,002, C>A. VCF-style: chr13-35196002-C-A. GRCh37 (hg19) VCF-style: chr13-35770139-C-A.
Other names: c.5057C>A, p.Ala1686Glu (NM_001379245.1); c.5066C>A, p.Ala1689Glu (NM_015678.5); short protein forms A1686E, A1689E.
Identifiers: ClinVar variation 3363342 (VCV003363342.1).

ClinVar aggregate classification (germline): Uncertain significance (1 of 4 stars; one submission).

Submission:

GeneDx
Classification: Uncertain significance. Last evaluated: 2023-11-01. Review status: criteria provided, single submitter. Criteria: GeneDx Variant Classification Process June 2021. Collection method: clinical testing. Allele origin: germline. Affected: yes.
Comment: Not observed at significant frequency in large population cohorts (gnomAD); In silico analysis supports that this missense variant does not alter protein structure/function; Has not been previously published as pathogenic or benign to our knowledge